The following is an entry in ClinVar:

NM_006904.7(PRKDC):c.4809G>T (p.Gln1603His)

Gene: PRKDC (protein kinase, DNA-activated, catalytic subunit; minus strand). Cytogenetic location: 8q11.21.
Variant type: single nucleotide variant.
Coding change: c.4809G>T on transcript NM_006904.7 (MANE Select); coding-DNA position 4809, G replaced by T.
Protein change: p.Gln1603His; replaces glutamine 1603 with histidine.
Molecular consequence: missense variant.
Genome position (GRCh38, 1-based): chr8:47,882,065, C>A on the plus strand (G>T on the coding strand, the complement: PRKDC is on the minus strand). VCF-style: chr8-47882065-C-A. GRCh37 (hg19) VCF-style: chr8-48794626-C-A.
Other names: c.4809G>T, p.Gln1603His (NM_001081640.2); short protein forms Q1603H.
Identifiers: ClinVar variation 379756 (VCV000379756.13), dbSNP rs8178106, ClinGen allele CA4740785.
Genomic context (GRCh38, chr8:47,882,065, plus strand): 5'-CAGAATTGTAGTCGCAAGTTTCAGTCCTTGGTGTTTCTGGTTTGCTCGCTCCCTGAAGCT[C>A]TGGTCTAACATGCCGTTCAAAACGGCACTCACCTGAGACAATTTCGTTGTGAGTGAAGAA-3'
Protein context (NP_008835.5, residues 1593-1613): VSAVLNGMLD[Gln1603His]SFRERANQKH

ClinVar aggregate classification (germline): Benign. Review status: criteria provided, multiple submitters, no conflicts (2 of 4 stars). 3 submissions from 3 submitters: Benign (3). Last evaluated 2026-02-02.

Conditions:
Severe combined immunodeficiency due to DNA-PKcs deficiency. Also called: Immunodeficiency 26 with or without neurologic abnormalities; IMMUNODEFICIENCY 26 WITH NEUROLOGIC ABNORMALITIES. Identifiers: Orphanet 317425, MedGen C4014833, MONDO:0014423, OMIM 615966.

Allele frequency attached by ClinVar (database versions not stated): gnomAD exomes 0.00083 and 0.00405; gnomAD 0.00109 and 0.00114; 1000 Genomes Project 0.00240; 1000 Genomes Project 30x 0.00265; TOPMed 0.00307; ExAC 0.00328.
gnomAD v4.1: 1,359 of 1,613,976 alleles (0.084%); highest among the groups gnomAD compares: Admixed American, 2.2%; 22 homozygotes.

Submissions (3):

Labcorp Genetics (formerly Invitae), Labcorp
Classification: Benign for Severe combined immunodeficiency due to DNA-PKcs deficiency. Last evaluated: 2026-02-02. Review status: criteria provided, single submitter. Criteria: Invitae Variant Classification Sherloc (09022015). Collection method: clinical testing. Allele origin: germline.

GeneDx
Classification: Benign. Last evaluated: 2017-01-10. Review status: criteria provided, single submitter. Criteria: GeneDx Variant Classification (06012015). Collection method: clinical testing. Allele origin: germline. Affected: yes.
Comment: This variant is considered likely benign or benign based on one or more of the following criteria: it is a conservative change, it occurs at a poorly conserved position in the protein, it is predicted to be benign by multiple in silico algorithms, and/or has population frequency not consistent with disease.

Breakthrough Genomics
Classification: Benign. Review status: criteria provided, single submitter. Criteria: ACMG Guidelines, 2015. Collection method: not provided. Allele origin: germline. Inheritance: Autosomal recessive inheritance. Affected: yes.